The following is an entry in ClinVar:

ClinVar aggregate classification (germline): Benign/Likely benign. Review status: criteria provided, multiple submitters, no conflicts (2 of 4 stars). 8 submissions from 8 submitters: Benign (3); Likely benign (4). 1 of the submissions does not count toward it. Last evaluated 2026-01-01.

Conditions:
CREBBP-related disorder. Also called: CREBBP-related condition; CREBBP-related disorders.
Menke-Hennekam syndrome 1 (MKHK1). Identifiers: MedGen C5193034, MONDO:0020763, OMIM 618332.
Rubinstein-Taybi syndrome due to CREBBP mutations (RSTS1). Also called: RUBINSTEIN SYNDROME; RUBINSTEIN-TAYBI SYNDROME 1, INCOMPLETE; BROAD THUMB-HALLUX SYNDROME; Rubinstein-Taybi syndrome 1; BROAD THUMBS AND GREAT TOES, CHARACTERISTIC FACIES, AND IMPAIRED INTELLECTUAL DEVELOPMENT; CREBBP-Related Rubinstein-Taybi Syndrome. Identifiers: Orphanet 353277, Orphanet 783, MedGen C4551859, MONDO:0008393, OMIM 180849.
Rubinstein-Taybi syndrome (RSTS). Identifiers: Orphanet 783, MedGen C0035934, MONDO:0019188.
Inborn genetic diseases. Identifiers: MedGen C0950123, MeSH D030342.

Allele frequency attached by ClinVar (database versions not stated): gnomAD exomes 0.00006 and 0.00021; ExAC 0.00025; 1000 Genomes Project 30x 0.00047; 1000 Genomes Project 0.00060; ESP Exome Variant Server 0.00092; gnomAD 0.00101 and 0.00116; TOPMed 0.00127.
gnomAD v4.1: 257 of 1,613,748 alleles (0.016%); highest among the groups gnomAD compares: African/African-American, 0.3%; 1 homozygote.

Submissions (8):

Labcorp Genetics (formerly Invitae), Labcorp
Classification: Benign for Rubinstein-Taybi syndrome. Last evaluated: 2026-01-01. Review status: criteria provided, single submitter. Criteria: Invitae Variant Classification Sherloc (09022015). Collection method: clinical testing. Allele origin: germline.

CeGaT Center for Human Genetics Tuebingen
Classification: Likely benign. Last evaluated: 2024-06-01. Review status: criteria provided, single submitter. Criteria: CeGaT Center For Human Genetics Tuebingen Variant Classification Criteria Version 2. Collection method: clinical testing. Allele origin: germline. Affected: yes. Observed: 1 variant allele.
Comment: CREBBP: BP4, BP7, BS1

Blueprint Genetics
Classification: Likely benign. Last evaluated: 2023-06-14. Review status: criteria provided, single submitter. Criteria: ACMG Guidelines, 2015. Collection method: clinical testing. Allele origin: germline.

Fulgent Genetics
Classification: Benign for Rubinstein-Taybi syndrome due to CREBBP mutations; Menke-Hennekam syndrome 1. Last evaluated: 2021-08-04. Review status: criteria provided, single submitter. Criteria: ACMG Guidelines, 2015. Collection method: clinical testing. Allele origin: unknown.

GeneDx
Classification: Benign. Last evaluated: 2019-10-02. Review status: criteria provided, single submitter. Criteria: GeneDx Variant Classification Process June 2021. Collection method: clinical testing. Allele origin: germline. Affected: yes.

Ambry Genetics
Classification: Likely benign for Inborn genetic diseases. Last evaluated: 2017-12-22. Review status: criteria provided, single submitter. Criteria: Ambry Variant Classification Scheme 2023. Collection method: clinical testing. Allele origin: germline.

Eurofins Ntd Llc (ga)
Classification: Likely benign. Last evaluated: 2014-10-02. Review status: criteria provided, single submitter. Criteria: EGL Classification Definitions 2015. Collection method: clinical testing. Allele origin: germline. Observed: 1 variant allele, 1 heterozygote.

PreventionGenetics, part of Exact Sciences
Classification: Likely benign for CREBBP-related condition. Last evaluated: 2021-06-17. Review status: no assertion criteria provided. Collection method: clinical testing. Allele origin: germline. Not counted in ClinVar's aggregate classification.
Comment: This variant is classified as likely benign based on ACMG/AMP sequence variant interpretation guidelines (Richards et al. 2015 PMID: 25741868, with internal and published modifications).

NM_004380.3(CREBBP):c.4350C>T (p.Tyr1450=)

Gene: CREBBP (CREB binding lysine acetyltransferase; minus strand). Cytogenetic location: 16p13.3.
Variant type: single nucleotide variant.
Coding change: c.4350C>T on transcript NM_004380.3 (MANE Select); coding-DNA position 4350, C replaced by T.
Protein change: p.Tyr1450=; no amino-acid change (tyrosine 1450 retained).
Molecular consequence: synonymous variant.
Genome position (GRCh38, 1-based): chr16:3,738,603, G>A on the plus strand (C>T on the coding strand, the complement: CREBBP is on the minus strand). VCF-style: chr16-3738603-G-A. GRCh37 (hg19) VCF-style: chr16-3788604-G-A.
Other names: c.4236C>T, p.Tyr1412= (NM_001079846.1).
Identifiers: ClinVar variation 195971 (VCV000195971.39), dbSNP rs144832179, ClinGen allele CA202056.